The following is an entry in ClinVar:

ClinVar aggregate classification (germline): Uncertain significance. Review status: criteria provided, multiple submitters, no conflicts (2 of 4 stars). 2 submissions from 2 submitters: Uncertain significance (2). Last evaluated 2024-11-19.

Conditions:
Hereditary cancer-predisposing syndrome. Also called: Neoplastic Syndromes, Hereditary; Hereditary Cancer Syndrome; Hereditary neoplastic syndrome; Tumor predisposition. Identifiers: Orphanet 140162, MedGen C0027672, MeSH D009386, MONDO:0015356.
BAP1-related tumor predisposition syndrome (TPDS1). Also called: COMMON Syndrome; TUMOR PREDISPOSITION SYNDROME 1; BAP1 tumor predisposition syndrome; Tumor susceptibility linked to germline BAP1 mutations. Identifiers: Orphanet 289539, MedGen C3280492, MONDO:0013692, OMIM 614327.

Allele frequency attached by ClinVar (database versions not stated): gnomAD exomes below 0.00001.
gnomAD v4.1: 1 of 1,598,830 alleles (0.000063%); highest among the groups gnomAD compares: Non-Finnish European, 0.000085%; no homozygotes.

Submissions (2):

Labcorp Genetics (formerly Invitae), Labcorp
Classification: Uncertain significance for BAP1-related tumor predisposition syndrome. Last evaluated: 2024-11-19. Review status: criteria provided, single submitter. Criteria: Invitae Variant Classification Sherloc (09022015). Collection method: clinical testing. Allele origin: germline.
Comment: This sequence change replaces proline, which is neutral and non-polar, with serine, which is neutral and polar, at codon 723 of the BAP1 protein (p.Pro723Ser). This variant is not present in population databases (gnomAD no frequency). This variant has not been reported in the literature in individuals affected with BAP1-related conditions. ClinVar contains an entry for this variant (Variation ID: 539915). Invitae Evidence Modeling of protein sequence and biophysical properties (such as structural, functional, and spatial information, amino acid conservation, physicochemical variation, residue mobility, and thermodynamic stability) has been performed for this missense variant. However, the output from this modeling did not meet the statistical confidence thresholds required to predict the impact of this variant on BAP1 protein function. In summary, the available evidence is currently insufficient to determine the role of this variant in disease. Therefore, it has been classified as a Variant of Uncertain Significance.

Ambry Genetics
Classification: Uncertain significance for Hereditary cancer-predisposing syndrome. Last evaluated: 2024-10-20. Review status: criteria provided, single submitter. Criteria: Ambry Variant Classification Scheme 2023. Collection method: clinical testing. Allele origin: germline.
Comment: The p.P723S variant (also known as c.2167C>T), located in coding exon 17 of the BAP1 gene, results from a C to T substitution at nucleotide position 2167. The proline at codon 723 is replaced by serine, an amino acid with similar properties. This amino acid position is conserved. In addition, the in silico prediction for this alteration is inconclusive. Based on the available evidence, the clinical significance of this variant remains unclear.

NM_004656.4(BAP1):c.2167C>T (p.Pro723Ser)

Gene: BAP1 (BRCA1 associated deubiquitinase 1; minus strand). Cytogenetic location: 3p21.1.
Variant type: single nucleotide variant.
Coding change: c.2167C>T on transcript NM_004656.4 (MANE Select); coding-DNA position 2167, C replaced by T.
Protein change: p.Pro723Ser; replaces proline 723 with serine.
Molecular consequence: missense variant.
Genome position (GRCh38, 1-based): chr3:52,402,311, G>A on the plus strand (C>T on the coding strand, the complement: BAP1 is on the minus strand). VCF-style: chr3-52402311-G-A. GRCh37 (hg19) VCF-style: chr3-52436327-G-A.
Other names: c.2167C>T (NM_004656.2); short protein forms P723S.
Identifiers: ClinVar variation 539915 (VCV000539915.9), dbSNP rs1553644518, ClinGen allele CA353093981.